The following is an entry in ClinVar:

ClinVar aggregate classification (germline): Conflicting classifications of pathogenicity. Review status: criteria provided, conflicting classifications (1 of 4 stars). 4 submissions from 4 submitters: Likely pathogenic (1); Uncertain significance (1). 2 of the submissions do not count toward it. Last evaluated 2023-10-13.

Conditions:
Mucopolysaccharidosis, MPS-III-C (MPS3C). Also called: SANFILIPPO SYNDROME C; MPS III C; mucopolysaccharidosis type 3C; MPS IIIC (Sanfilippo Syndrome Type C); MUCOPOLYSACCHARIDOSIS, TYPE IIIC; Mucopolysaccharidosis type IIIC (Sanfilippo C). Identifiers: Orphanet 581, Orphanet 79271, MedGen C0086649, MONDO:0009657, OMIM 252930.
Retinitis pigmentosa 73 (RP73). Identifiers: Orphanet 791, MedGen C4225287, MONDO:0014687, OMIM 616544.

Allele frequency attached by ClinVar (database versions not stated): gnomAD 0.00001; gnomAD exomes 0.00001 and 0.00002; ExAC 0.00003; TOPMed below 0.00001.
gnomAD v4.1: 8 of 1,608,008 alleles (0.0005%); highest among the groups gnomAD compares: South Asian, 0.0011%; no homozygotes.

Submissions (4):

Labcorp Genetics (formerly Invitae), Labcorp
Classification: Uncertain significance for Retinitis pigmentosa 73; Mucopolysaccharidosis, MPS-III-C. Last evaluated: 2023-10-13. Review status: criteria provided, single submitter. Criteria: Invitae Variant Classification Sherloc (09022015). Collection method: clinical testing. Allele origin: germline.
Comment: This sequence change falls in intron 4 of the HGSNAT gene. It does not directly change the encoded amino acid sequence of the HGSNAT protein. It affects a nucleotide within the consensus splice site. This variant is present in population databases (rs781408761, gnomAD 0.003%). This variant has been observed in individual(s) with retinitis pigmentosa (PMID: 34795310). ClinVar contains an entry for this variant (Variation ID: 1284561). Variants that disrupt the consensus splice site are a relatively common cause of aberrant splicing (PMID: 17576681, 9536098). Studies have shown that this variant alters mRNA splicing and is expected to lead to the loss of protein expression (PMID: 34795310). In summary, the available evidence is currently insufficient to determine the role of this variant in disease. Therefore, it has been classified as a Variant of Uncertain Significance.

Women's Health and Genetics/Laboratory Corporation of America, LabCorp
Classification: Likely pathogenic for Retinitis pigmentosa 73. Last evaluated: 2023-07-26. Review status: criteria provided, single submitter. Criteria: LabCorp Variant Classification Summary - May 2015. Collection method: clinical testing. Allele origin: germline.
Comment: Variant summary: HGSNAT c.493+5G>A alters a conserved nucleotide located close to a canonical splice site and therefore could affect mRNA splicing, leading to a significantly altered protein sequence. Several computational tools predict a significant impact on normal splicing: Three predict the variant abolishes the canonical 5' splicing donor site. An impact on normal splicing was confirmed through a midigene splicing assay, which showed that this variant causes skipping of exon 4 (Fadaie_2021). The variant allele was found at a frequency of 2e-05 in 244044 control chromosomes (gnomAD). c.493+5G>A has been reported in the literature in at least one individual affected with Retinitis Pigmentosa (Fadaie_2021). These data do not allow any conclusion about variant significance. The following publication has been ascertained in the context of this evaluation (PMID: 34795310). One ClinVar submitter has assessed the variant since 2014, and classified the variant as uncertain significance. Based on the evidence outlined above, the variant was classified as likely pathogenic.

Clinical Genetics, Academic Medical Center
Classification: Uncertain significance. Review status: no assertion criteria provided. Collection method: clinical testing. Allele origin: germline. Affected: yes. Study: VKGL Data-share Consensus. Not counted in ClinVar's aggregate classification.

Joint Genome Diagnostic Labs from Nijmegen and Maastricht, Radboudumc and MUMC+
Classification: Uncertain significance. Review status: no assertion criteria provided. Collection method: clinical testing. Allele origin: germline. Affected: yes. Study: VKGL Data-share Consensus. Not counted in ClinVar's aggregate classification.

Literature cited by the submitters: PubMed 34795310 (cited by Labcorp Genetics (formerly Invitae), Labcorp and Women's Health and Genetics/Laboratory Corporation of America, LabCorp); PubMed 17576681 (cited by Labcorp Genetics (formerly Invitae), Labcorp); PubMed 9536098 (cited by Labcorp Genetics (formerly Invitae), Labcorp).

NM_152419.3(HGSNAT):c.493+5G>A

Gene: HGSNAT (heparan-alpha-glucosaminide N-acetyltransferase; plus strand). Cytogenetic location: 8p11.21.
Variant type: single nucleotide variant.
Coding change: c.493+5G>A on transcript NM_152419.3 (MANE Select); 5 bases into the intron after coding-DNA position 493, G replaced by A.
Molecular consequence: intron variant.
Genome position (GRCh38, 1-based): chr8:43,159,049, G>A. VCF-style: chr8-43159049-G-A. GRCh37 (hg19) VCF-style: chr8-43014192-G-A.
Other names: c.493+5G>A (NM_152419.2, NM_001363227.2, NM_001363228.2); c.-341+5G>A (NM_001363229.2).
Identifiers: ClinVar variation 1284561 (VCV001284561.9), dbSNP rs781408761, ClinGen allele CA4736517.
Genomic context (GRCh38, chr8:43,159,049, plus strand): 5'-TAGTGAAATTGCCTGTGACCTGGCTGTGAACGAGGATCCAGTTGATAGTAACCTTCGTAC[G>A]TATATGTTCTCTGCTGATTTTCACATTTGCATTTTCAGAGGTTTCAGTTTTTGAGTACTG-3'